The following is an entry in ClinVar:

NM_000170.3(GLDC):c.*257G>A

Gene: GLDC (glycine decarboxylase; minus strand). Cytogenetic location: 9p24.1.
Variant type: single nucleotide variant.
Coding change: c.*257G>A on transcript NM_000170.3 (MANE Select); 257 bases downstream of the stop codon, G replaced by A.
Molecular consequence: 3 prime UTR variant.
Genome position (GRCh38, 1-based): chr9:6,532,760, C>T on the plus strand (G>A on the coding strand, the complement: GLDC is on the minus strand). VCF-style: chr9-6532760-C-T. GRCh37 (hg19) VCF-style: chr9-6532760-C-T.
Identifiers: ClinVar variation 367166 (VCV000367166.8), dbSNP rs111326356, ClinGen allele CA10633891.

ClinVar aggregate classification (germline): Likely benign. Review status: criteria provided, multiple submitters, no conflicts (2 of 4 stars). 2 submissions from 2 submitters: Likely benign (2). Last evaluated 2018-07-26.

Conditions:
Glycine encephalopathy. Also called: Nonketotic hyperglycinemia; Non-ketotic hyperglycinemia. Identifiers: Orphanet 407, MedGen C0751748, MONDO:0011612, HP:0008288.

Allele frequency attached by ClinVar (database versions not stated): gnomAD 0.00972; TOPMed 0.01058; 1000 Genomes Project 0.01078; 1000 Genomes Project 30x 0.01234.
gnomAD v4.1: 2,023 of 473,368 alleles (0.43%); highest among the groups gnomAD compares: African/African-American, 3.3%; 37 homozygotes.

Submissions (2):

GeneDx
Classification: Likely benign. Last evaluated: 2018-07-26. Review status: criteria provided, single submitter. Criteria: GeneDx Variant Classification Process June 2021. Collection method: clinical testing. Allele origin: germline. Affected: yes.

Illumina Laboratory Services, Illumina
Classification: Likely benign for Glycine encephalopathy 1. Last evaluated: 2017-04-27. Review status: criteria provided, single submitter. Criteria: ICSL Variant Classification Criteria 13 December 2019. Collection method: clinical testing. Allele origin: germline.
Comment: This variant was observed as part of a predisposition screen in an ostensibly healthy population. A literature search was performed for the gene, cDNA change, and amino acid change (where applicable). No publications were found based on this search. Allele frequency data from public databases allowed determination this variant is unlikely to cause disease. Therefore, this variant is classified as likely benign.